The following is an entry in ClinVar:

ClinVar aggregate classification (germline): Benign (1 of 4 stars; one submission).

Allele frequency attached by ClinVar (database versions not stated): gnomAD exomes 0.13893; TOPMed 0.14119; 1000 Genomes Project 30x 0.14569; 1000 Genomes Project 0.14657.
gnomAD v4.1: 194,721 of 1,401,172 alleles (14%); highest among the groups gnomAD compares: Admixed American, 18%; 14,050 homozygotes.

Submission:

Unidad de Genómica Garrahan, Hospital de Pediatría Garrahan
Classification: Benign. Last evaluated: 2024-01-24. Review status: criteria provided, single submitter. Criteria: ACMG Guidelines, 2015. Collection method: clinical testing. Allele origin: germline. Affected: no. Observed: 21 variant alleles.
Comment: This variant is classified as Benign based on local population frequency. This variant was detected in 24% of patients studied by a panel of primary immunodeficiencies. Number of patients: 21. Only high quality variants are reported.

NM_001252.5(CD70):c.162+63T>C

Gene: CD70 (CD70 molecule; minus strand). Cytogenetic location: 19p13.3.
Variant type: single nucleotide variant.
Coding change: c.162+63T>C on transcript NM_001252.5 (MANE Select); 63 bases into the intron after coding-DNA position 162, T replaced by C.
Molecular consequence: intron variant.
Genome position (GRCh38, 1-based): chr19:6,590,778, A>G on the plus strand (T>C on the coding strand, the complement: CD70 is on the minus strand). VCF-style: chr19-6590778-A-G. GRCh37 (hg19) VCF-style: chr19-6590789-A-G.
Other names: c.162+63T>C (NM_001330332.2).
Identifiers: ClinVar variation 2688483 (VCV002688483.2), dbSNP rs344589, ClinGen allele CA16567148.